The following is an entry in ClinVar:

NM_001256447.2(BCAP31):c.517G>T (p.Ala173Ser)

Gene: BCAP31 (B cell receptor associated protein 31; minus strand). Cytogenetic location: Xq28.
Variant type: single nucleotide variant.
Coding change: c.517G>T on transcript NM_001256447.2 (MANE Select); coding-DNA position 517, G replaced by T.
Protein change: p.Ala173Ser; replaces alanine 173 with serine.
Molecular consequence: missense variant.
Genome position (GRCh38, 1-based): chrX:153,703,019, C>A on the plus strand (G>T on the coding strand, the complement: BCAP31 is on the minus strand). VCF-style: chrX-153703019-C-A. GRCh37 (hg19) VCF-style: chrX-152968474-C-A.
Other names: c.517G>T, p.Ala173Ser (NM_001139441.1, NM_005745.8); c.718G>T, p.Ala240Ser (NM_001139457.2); short protein forms A173S, A240S.
Identifiers: ClinVar variation 599439 (VCV000599439.11), dbSNP rs782683945, ClinGen allele CA10549747.

ClinVar aggregate classification (germline): Conflicting classifications of pathogenicity. Review status: criteria provided, conflicting classifications (1 of 4 stars). 2 submissions from 2 submitters: Uncertain significance (1); Likely benign (1). Last evaluated 2023-10-11.

Allele frequency attached by ClinVar (database versions not stated): TOPMed 0.00001; ExAC 0.00002; gnomAD exomes 0.00002 and 0.00004.
gnomAD v4.1: 9 of 1,210,114 alleles (0.00074%); highest among the groups gnomAD compares: Admixed American, 0.02%; no homozygotes.

Submissions (2):

Labcorp Genetics (formerly Invitae), Labcorp
Classification: Uncertain significance. Last evaluated: 2023-10-11. Review status: criteria provided, single submitter. Criteria: Invitae Variant Classification Sherloc (09022015). Collection method: clinical testing. Allele origin: germline.
Comment: This sequence change replaces alanine, which is neutral and non-polar, with serine, which is neutral and polar, at codon 173 of the BCAP31 protein (p.Ala173Ser). This variant is present in population databases (rs782683945, gnomAD 0.03%). This variant has not been reported in the literature in individuals affected with BCAP31-related conditions. ClinVar contains an entry for this variant (Variation ID: 599439). Algorithms developed to predict the effect of missense changes on protein structure and function output the following: SIFT: "Not Available"; PolyPhen-2: "Benign"; Align-GVGD: "Not Available". The serine amino acid residue is found in multiple mammalian species, which suggests that this missense change does not adversely affect protein function. In summary, the available evidence is currently insufficient to determine the role of this variant in disease. Therefore, it has been classified as a Variant of Uncertain Significance.

Institute for Genomic Medicine (IGM) Clinical Laboratory, Nationwide Children's Hospital
Classification: Likely benign. Last evaluated: 2017-11-20. Review status: criteria provided, single submitter. Criteria: ACMG Guidelines, 2015. Collection method: clinical testing. Allele origin: germline.
Comment: BS2, BP4, BP5; This alteration was seen in a healthy adult where full penetrance of the disorder is expected at an early age, is predicted to be tolerated by multiple functional prediction tools, and was found in a case with an alternate molecular basis for disease.